The following is an entry in ClinVar:

NM_024408.4(NOTCH2):c.4339G>A (p.Ala1447Thr)

Gene: NOTCH2 (notch receptor 2; minus strand). Cytogenetic location: 1p12.
Variant type: single nucleotide variant.
Coding change: c.4339G>A on transcript NM_024408.4 (MANE Select); coding-DNA position 4339, G replaced by A.
Protein change: p.Ala1447Thr; replaces alanine 1447 with threonine.
Molecular consequence: missense variant.
Genome position (GRCh38, 1-based): chr1:119,925,477, C>T on the plus strand (G>A on the coding strand, the complement: NOTCH2 is on the minus strand). VCF-style: chr1-119925477-C-T. GRCh37 (hg19) VCF-style: chr1-120468100-C-T.
Other names: short protein forms A1447T.
Identifiers: ClinVar variation 4803650 (VCV004803650.1).

ClinVar aggregate classification (germline): Uncertain significance (1 of 4 stars; one submission).

Conditions:
Hajdu-Cheney syndrome (HJCYS). Also called: ACROOSTEOLYSIS WITH OSTEOPOROSIS AND CHANGES IN SKULL AND MANDIBLE; SERPENTINE FIBULA-POLYCYSTIC KIDNEY SYNDROME; Acroosteolysis dominant type. Identifiers: Orphanet 955, MedGen C0917715, MONDO:0007057, OMIM 102500.

gnomAD v4.1: 2 of 1,614,206 alleles (0.00012%); highest among the groups gnomAD compares: Non-Finnish European, 0.00017%; no homozygotes.

Submission:

Labcorp Genetics (formerly Invitae), Labcorp
Classification: Uncertain significance for Hajdu-Cheney syndrome. Last evaluated: 2025-06-07. Review status: criteria provided, single submitter. Criteria: Invitae Variant Classification Sherloc (09022015). Collection method: clinical testing. Allele origin: germline.
Comment: This sequence change replaces alanine, which is neutral and non-polar, with threonine, which is neutral and polar, at codon 1447 of the NOTCH2 protein (p.Ala1447Thr). This variant is present in population databases (no rsID available, gnomAD 0.0009%). This variant has not been reported in the literature in individuals affected with NOTCH2-related conditions. Invitae Evidence Modeling of protein sequence and biophysical properties (such as structural, functional, and spatial information, amino acid conservation, physicochemical variation, residue mobility, and thermodynamic stability) indicates that this missense variant is not expected to disrupt NOTCH2 protein function with a negative predictive value of 80%. In summary, the available evidence is currently insufficient to determine the role of this variant in disease. Therefore, it has been classified as a Variant of Uncertain Significance.